The following is an entry in ClinVar:

NM_000138.5(FBN1):c.723G>A (p.Thr241=)

Gene: FBN1 (fibrillin 1; minus strand). Cytogenetic location: 15q21.1.
Variant type: single nucleotide variant.
Coding change: c.723G>A on transcript NM_000138.5 (MANE Select); coding-DNA position 723, G replaced by A.
Protein change: p.Thr241=; no amino-acid change (threonine 241 retained).
Molecular consequence: synonymous variant.
Genome position (GRCh38, 1-based): chr15:48,537,624, C>T on the plus strand (G>A on the coding strand, the complement: FBN1 is on the minus strand). VCF-style: chr15-48537624-C-T. GRCh37 (hg19) VCF-style: chr15-48829821-C-T.
Identifiers: ClinVar variation 316389 (VCV000316389.19), dbSNP rs757264206, ClinGen allele CA058155.

ClinVar aggregate classification (germline): Conflicting classifications of pathogenicity. Review status: criteria provided, conflicting classifications (1 of 4 stars). 11 submissions from 6 submitters: Uncertain significance (6); Likely benign (4). 1 of the submissions does not count toward it. Last evaluated 2025-06-01.

Conditions:
Weill-Marchesani syndrome. Also called: WM Syndrome; Mesodermal dysmorphodystrophy congenital. Identifiers: Orphanet 3449, MedGen C0265313, MONDO:0018096.
Acromicric dysplasia (ACMICD). Also called: Acromicric skeletal dysplasia. Identifiers: Orphanet 969, MedGen C0265287, MONDO:0007055, OMIM 102370.
Stiff skin syndrome (SSKS). Identifiers: Orphanet 2833, MedGen C1861456, MONDO:0008492, OMIM 184900.
Ectopia lentis 1, isolated, autosomal dominant (ECTOL1). Identifiers: Orphanet 1885, MedGen C3541518, MONDO:0007514, OMIM 129600.
Marfan syndrome (MFS). Also called: Marfan syndrome type 1; Marfan's syndrome; MARFAN SYNDROME, TYPE I; Marfan syndrome, classic; FBN1-Related Marfan Syndrome. Identifiers: Orphanet 284963, Orphanet 558, MedGen C0024796, MONDO:0007947, OMIM 154700.
Familial thoracic aortic aneurysm and aortic dissection (TAAD). Also called: Thoracic aortic aneurysms and dissections. Identifiers: Orphanet 91387, MedGen C4707243, MONDO:0019625.
FBN1-related disorder. Also called: FBN1-related disorders.

Allele frequency attached by ClinVar (database versions not stated): TOPMed below 0.00001.
gnomAD v4.1: 7 of 1,614,188 alleles (0.00043%); highest among the groups gnomAD compares: African/African-American, 0.0013%; no homozygotes.

Submissions (11):

Ambry Genetics
Classification: Likely benign for Familial thoracic aortic aneurysm and aortic dissection. Last evaluated: 2025-06-01. Review status: criteria provided, single submitter. Criteria: Ambry Variant Classification Scheme 2023. Collection method: clinical testing. Allele origin: germline.

All of Us Research Program, National Institutes of Health
Classification: Likely benign for Marfan syndrome. Last evaluated: 2023-08-15. Review status: criteria provided, single submitter. Criteria: ACMG Guidelines, 2015. Collection method: clinical testing. Allele origin: germline. Inheritance: Autosomal dominant inheritance. Observed: 1 variant allele, 1 heterozygote.
Comment: This study involves interpretation of variants in research participants for the purpose of population health screening. Participant phenotype was not available at the time of variant classification. Additional details can be found in publication PMID: 35346344, PMCID: PMC8962531

Labcorp Genetics (formerly Invitae), Labcorp
Classification: Likely benign for Marfan syndrome; Familial thoracic aortic aneurysm and aortic dissection. Last evaluated: 2023-06-17. Review status: criteria provided, single submitter. Criteria: Invitae Variant Classification Sherloc (09022015). Collection method: clinical testing. Allele origin: germline.

Color Diagnostics, LLC DBA Color Health
Classification: Likely benign for Familial thoracic aortic aneurysm and aortic dissection. Last evaluated: 2022-11-02. Review status: criteria provided, single submitter. Criteria: ACMG Guidelines, 2015. Collection method: clinical testing. Allele origin: germline.

Illumina Laboratory Services, Illumina
Classification: Uncertain significance for Weill-Marchesani syndrome. Last evaluated: 2018-01-13. Review status: criteria provided, single submitter. Criteria: ICSL Variant Classification Criteria 13 December 2019. Collection method: clinical testing. Allele origin: germline.

Illumina Laboratory Services, Illumina
Classification: Uncertain significance for Acromicric dysplasia. Last evaluated: 2018-01-13. Review status: criteria provided, single submitter. Criteria: ICSL Variant Classification Criteria 13 December 2019. Collection method: clinical testing. Allele origin: germline.

Illumina Laboratory Services, Illumina
Classification: Uncertain significance for Ectopia lentis 1, isolated, autosomal dominant. Last evaluated: 2018-01-13. Review status: criteria provided, single submitter. Criteria: ICSL Variant Classification Criteria 13 December 2019. Collection method: clinical testing. Allele origin: germline.

Illumina Laboratory Services, Illumina
Classification: Uncertain significance for Stiff skin syndrome. Last evaluated: 2018-01-13. Review status: criteria provided, single submitter. Criteria: ICSL Variant Classification Criteria 13 December 2019. Collection method: clinical testing. Allele origin: germline.

Illumina Laboratory Services, Illumina
Classification: Uncertain significance for Familial thoracic aortic aneurysm and aortic dissection. Last evaluated: 2018-01-13. Review status: criteria provided, single submitter. Criteria: ICSL Variant Classification Criteria 13 December 2019. Collection method: clinical testing. Allele origin: germline.

Illumina Laboratory Services, Illumina
Classification: Uncertain significance for Marfan syndrome. Last evaluated: 2018-01-13. Review status: criteria provided, single submitter. Criteria: ICSL Variant Classification Criteria 13 December 2019. Collection method: clinical testing. Allele origin: germline.

PreventionGenetics, part of Exact Sciences
Classification: Likely benign for FBN1-related condition. Last evaluated: 2023-06-05. Review status: no assertion criteria provided. Collection method: clinical testing. Allele origin: germline. Not counted in ClinVar's aggregate classification.
Comment: This variant is classified as likely benign based on ACMG/AMP sequence variant interpretation guidelines (Richards et al. 2015 PMID: 25741868, with internal and published modifications).